The following is an entry in ClinVar:

Conditions:
Arteriohepatic dysplasia. Also called: Alagille Syndrome. Identifiers: Orphanet 52, MedGen C0085280, MeSH D016738, MONDO:0007318.

Submission:

Gilbert/Spinner Lab, Children's Hospital of Philadelphia
No classification provided (evidence only). Condition: Alagille syndrome. Review status: no classification provided. Collection method: research. Allele origin: not applicable. Functional consequence: functionally_abnormal.
ClinVar note: "not provided" was previously submitted as the classification for the variant. However, the classification appeared to be based only on an observation of functional data so it was converted to no classification on 2025-07-30.

NM_000214.3(JAG1):c.812G>T (p.Cys271Phe)

Gene: JAG1 (jagged canonical Notch ligand 1; minus strand). Cytogenetic location: 20p12.2.
Variant type: single nucleotide variant.
Coding change: c.812G>T on transcript NM_000214.3 (MANE Select); coding-DNA position 812, G replaced by T.
Protein change: p.Cys271Phe; replaces cysteine 271 with phenylalanine.
Molecular consequence: missense variant.
Genome position (GRCh38, 1-based): chr20:10,652,542, C>A on the plus strand (G>T on the coding strand, the complement: JAG1 is on the minus strand). VCF-style: chr20-10652542-C-A. GRCh37 (hg19) VCF-style: chr20-10633190-C-A.
Other names: short protein forms C271F.
Identifiers: ClinVar variation 3573103 (VCV003573103.2).